The following is an entry in ClinVar:

NM_152564.5(VPS13B):c.7579G>A (p.Ala2527Thr)

Gene: VPS13B (vacuolar protein sorting 13 homolog B; plus strand). Cytogenetic location: 8q22.2.
Variant type: single nucleotide variant.
Coding change: c.7579G>A on transcript NM_152564.5 (MANE Select); coding-DNA position 7579, G replaced by A.
Protein change: p.Ala2527Thr; replaces alanine 2527 with threonine.
Molecular consequence: missense variant.
Genome position (GRCh38, 1-based): chr8:99,778,831, G>A. VCF-style: chr8-99778831-G-A. GRCh37 (hg19) VCF-style: chr8-100791059-G-A.
Other names: c.7654G>A (NM_017890.3); c.7654G>A, p.Ala2552Thr (NM_017890.5); short protein forms A2527T, A2552T.
Identifiers: ClinVar variation 585719 (VCV000585719.7), dbSNP rs369062407, ClinGen allele CA4824246.

ClinVar aggregate classification (germline): Uncertain significance. Review status: criteria provided, multiple submitters, no conflicts (2 of 4 stars). 4 submissions from 4 submitters: Uncertain significance (3). 1 of the submissions does not count toward it. Last evaluated 2025-08-25.

Conditions:
Inborn genetic diseases. Identifiers: MedGen C0950123, MeSH D030342.
Cohen syndrome (COH1). Also called: PEPPER SYNDROME; Cutis verticis gyrata, retinitis pigmentosa, and sensorineural deafness. Identifiers: Orphanet 193, MedGen C0265223, MONDO:0008999, OMIM 216550.

Allele frequency attached by ClinVar (database versions not stated): ExAC 0.00001; gnomAD exomes 0.00001 and 0.00002; gnomAD 0.00002; TOPMed 0.00002; ESP Exome Variant Server 0.00008.
gnomAD v4.1: 36 of 1,613,914 alleles (0.0022%); highest among the groups gnomAD compares: Non-Finnish European, 0.0027%; no homozygotes.

Submissions (4):

Ambry Genetics
Classification: Uncertain significance for Inborn genetic diseases. Last evaluated: 2025-08-25. Review status: criteria provided, single submitter. Criteria: Ambry Variant Classification Scheme 2023. Collection method: clinical testing. Allele origin: germline.

Labcorp Genetics (formerly Invitae), Labcorp
Classification: Uncertain significance for Cohen syndrome. Last evaluated: 2023-12-22. Review status: criteria provided, single submitter. Criteria: Invitae Variant Classification Sherloc (09022015). Collection method: clinical testing. Allele origin: germline.
Comment: This sequence change replaces alanine, which is neutral and non-polar, with threonine, which is neutral and polar, at codon 2552 of the VPS13B protein (p.Ala2552Thr). This variant is present in population databases (rs369062407, gnomAD 0.002%). This variant has not been reported in the literature in individuals affected with VPS13B-related conditions. ClinVar contains an entry for this variant (Variation ID: 585719). Advanced modeling of protein sequence and biophysical properties (such as structural, functional, and spatial information, amino acid conservation, physicochemical variation, residue mobility, and thermodynamic stability) performed at Invitae indicates that this missense variant is not expected to disrupt VPS13B protein function with a negative predictive value of 80%. In summary, the available evidence is currently insufficient to determine the role of this variant in disease. Therefore, it has been classified as a Variant of Uncertain Significance.

Athena Diagnostics
Classification: Uncertain significance. Last evaluated: 2017-11-01. Review status: criteria provided, single submitter. Criteria: Athena Diagnostics Criteria. Collection method: clinical testing. Allele origin: germline.

Natera, Inc.
Classification: Uncertain significance for Cohen syndrome. Last evaluated: 2020-09-16. Review status: no assertion criteria provided. Collection method: clinical testing. Allele origin: germline. Not counted in ClinVar's aggregate classification.